The following is an entry in ClinVar:

NM_018979.4(WNK1):c.3659C>T (p.Ser1220Phe)

Gene: WNK1 (WNK lysine deficient protein kinase 1; plus strand). Cytogenetic location: 12p13.33.
Variant type: single nucleotide variant.
Coding change: c.3659C>T on transcript NM_018979.4 (MANE Select); coding-DNA position 3659, C replaced by T.
Protein change: p.Ser1220Phe; replaces serine 1220 with phenylalanine.
Molecular consequence: missense variant.
Genome position (GRCh38, 1-based): chr12:883,564, C>T. VCF-style: chr12-883564-C-T. GRCh37 (hg19) VCF-style: chr12-992730-C-T.
Other names: p.Ser1472Phe; c.4439C>T, p.Ser1480Phe (NM_001184985.2); c.2918C>T, p.Ser973Phe (NM_014823.3); c.4415C>T, p.Ser1472Phe (NM_213655.5); short protein forms S1472F, S1220F, S973F, S1480F.
Identifiers: ClinVar variation 572377 (VCV000572377.13), dbSNP rs267603708, ClinGen allele CA6382812.
Genomic context (GRCh38, chr12:883,564, plus strand): 5'-CAGAGGGTGATCAGGGATTGGAGAGTCTACAAGGAAAGGATGACTATGGCTTTTCAGGTT[C>T]TCAGGTAGGTTCACCACTCCCATAGTGAAACTTTGTTGATTTAAAATATTTTCATAGTTC-3'
Protein context (NP_061852.3, residues 1210-1230): QGKDDYGFSG[Ser1220Phe]QKLEGEFKQP

ClinVar aggregate classification (germline): Uncertain significance. Review status: criteria provided, multiple submitters, no conflicts (2 of 4 stars). 4 submissions from 4 submitters: Uncertain significance (4). Last evaluated 2025-11-05.

Conditions:
Inborn genetic diseases. Identifiers: MedGen C0950123, MeSH D030342.
Neuropathy, hereditary sensory and autonomic, type 2A (HSAN2A). Also called: HSAN IIA; ACROOSTEOLYSIS, GIACCAI TYPE; ACROOSTEOLYSIS, NEUROGENIC; WNK1-Related HSAN2 (HSAN2A); MORVAN DISEASE; NEUROPATHY, CONGENITAL SENSORY. Identifiers: Orphanet 970, MedGen C2752089, MONDO:0024309, OMIM 201300.
Pseudohypoaldosteronism type 2C (PHA2C). Also called: Pseudohypoaldosteronism Type IIC. Identifiers: Orphanet 757, Orphanet 88940, MedGen C1840391, MONDO:0013778, OMIM 614492.

Allele frequency attached by ClinVar (database versions not stated): ExAC 0.00002; gnomAD exomes 0.00005; gnomAD 0.00006 and 0.00007; TOPMed 0.00007.
gnomAD v4.1: 233 of 1,613,994 alleles (0.014%); highest among the groups gnomAD compares: Non-Finnish European, 0.019%; no homozygotes.

Submissions (4):

Mayo Clinic Laboratories, Mayo Clinic
Classification: Uncertain significance. Last evaluated: 2025-11-05. Review status: criteria provided, single submitter. Criteria: ACMG Guidelines, 2015. Collection method: clinical testing. Allele origin: germline. Observed: 3 variant alleles.
Comment: BP4

Labcorp Genetics (formerly Invitae), Labcorp
Classification: Uncertain significance for Neuropathy, hereditary sensory and autonomic, type 2A; Pseudohypoaldosteronism type 2C. Last evaluated: 2025-07-14. Review status: criteria provided, single submitter. Criteria: Invitae Variant Classification Sherloc (09022015). Collection method: clinical testing. Allele origin: germline.
Comment: This sequence change replaces serine, which is neutral and polar, with phenylalanine, which is neutral and non-polar, at codon 1472 of the WNK1 protein (p.Ser1472Phe). This variant is present in population databases (rs267603708, gnomAD 0.01%). This variant has not been reported in the literature in individuals affected with WNK1-related conditions. ClinVar contains an entry for this variant (Variation ID: 572377). Invitae Evidence Modeling of protein sequence and biophysical properties (such as structural, functional, and spatial information, amino acid conservation, physicochemical variation, residue mobility, and thermodynamic stability) indicates that this missense variant is not expected to disrupt WNK1 protein function with a negative predictive value of 95%. In summary, the available evidence is currently insufficient to determine the role of this variant in disease. Therefore, it has been classified as a Variant of Uncertain Significance.

Fulgent Genetics
Classification: Uncertain significance for Neuropathy, hereditary sensory and autonomic, type 2A; Pseudohypoaldosteronism type 2C. Last evaluated: 2024-05-16. Review status: criteria provided, single submitter. Criteria: ACMG Guidelines, 2015. Collection method: clinical testing. Allele origin: germline.

Ambry Genetics
Classification: Uncertain significance for Inborn genetic diseases. Last evaluated: 2021-11-29. Review status: criteria provided, single submitter. Criteria: Ambry Variant Classification Scheme 2023. Collection method: clinical testing. Allele origin: germline.
Comment: The p.S1472F variant (also known as c.4415C>T), located in coding exon 16 of the WNK1 gene, results from a C to T substitution at nucleotide position 4415. The serine at codon 1472 is replaced by phenylalanine, an amino acid with highly dissimilar properties. This amino acid position is highly conserved in available vertebrate species. In addition, this alteration is predicted to be tolerated by in silico analysis. Since supporting evidence is limited at this time, the clinical significance of this alteration remains unclear.